The following is an entry in ClinVar:

ClinVar aggregate classification (germline): Benign/Likely benign. Review status: criteria provided, multiple submitters, no conflicts (2 of 4 stars). 4 submissions from 4 submitters: Benign (2); Likely benign (1). 1 of the submissions does not count toward it. Last evaluated 2026-01-14.

Allele frequency attached by ClinVar (database versions not stated): gnomAD exomes 0.00117; ExAC 0.00126; 1000 Genomes Project 0.00379; gnomAD 0.00449 and 0.00411; TOPMed 0.00513; 1000 Genomes Project 30x 0.00390; ESP Exome Variant Server 0.00438.

Submissions (4):

Labcorp Genetics (formerly Invitae), Labcorp
Classification: Benign. Last evaluated: 2026-01-14. Review status: criteria provided, single submitter. Criteria: Invitae Variant Classification Sherloc (09022015). Collection method: clinical testing. Allele origin: germline.

Blueprint Genetics
Classification: Likely benign. Last evaluated: 2024-11-25. Review status: criteria provided, single submitter. Criteria: ACMG Guidelines, 2015. Collection method: clinical testing. Allele origin: germline.

Breakthrough Genomics
Classification: Benign. Review status: criteria provided, single submitter. Criteria: ACMG Guidelines, 2015. Collection method: not provided. Allele origin: germline. Inheritance: Autosomal dominant inheritance. Affected: yes.

ITMI
No classification provided. Condition: AllHighlyPenetrant. Last evaluated: 2013-09-19. Review status: no classification provided. Collection method: reference population. Allele origin: germline. Not counted in ClinVar's aggregate classification.
Comment: Please see associated publication for description of ethnicities

Literature cited by the submitters: PubMed 24728327 (cited by ITMI).

NM_006164.5(NFE2L2):c.128G>A (p.Arg43Gln)

Gene: NFE2L2 (NFE2 like bZIP transcription factor 2; minus strand). Cytogenetic location: 2q31.2.
Variant type: single nucleotide variant.
Coding change: c.128G>A on transcript NM_006164.5 (MANE Select); coding-DNA position 128, G replaced by A.
Protein change: p.Arg43Gln; replaces arginine 43 with glutamine.
Molecular consequence: missense variant. On other transcripts: 5 prime UTR variant (1), intron variant (1).
Genome position (GRCh38, 1-based): chr2:177,234,189, C>T on the plus strand (G>A on the coding strand, the complement: NFE2L2 is on the minus strand). VCF-style: chr2-177234189-C-T. GRCh37 (hg19) VCF-style: chr2-178098917-C-T.
Other names: c.80G>A, p.Arg27Gln (NM_001145412.3, NM_001145413.3, NM_001313900.1 and 1 more transcripts); c.128G>A, p.Arg43Gln (NM_001313902.2); c.-102G>A (NM_001313904.1); c.93+35G>A (NM_001313903.2); short protein forms R27Q, R43Q.
Identifiers: ClinVar variation 134900 (VCV000134900.14), dbSNP rs35248500, ClinGen allele CA161113.
Genomic context (GRCh38, chr2:177,234,189, plus strand): 5'-TGGAGTTGTTCTTGTCTTTCCTTTTCAAGTTTTTTCTGTTTTTCCAGCTCATACTCTTTC[C>T]GTCGCTGACTGAAGTCAAATACTTCTCGACTTACTCCAAGATCTATATCTTGCCTCCAAA-3'
Protein context (NP_006155.2, residues 33-53): SREVFDFSQR[Arg43Gln]KEYELEKQKK